The following is an entry in ClinVar:

NM_001267550.2(TTN):c.89741T>C (p.Ile29914Thr)

Genes: TTN (titin; minus strand), TTN-AS1 (TTN antisense RNA 1; plus strand). Cytogenetic location: 2q31.2.
Variant type: single nucleotide variant.
Coding change: c.89741T>C on transcript NM_001267550.2 (MANE Select); coding-DNA position 89741, T replaced by C.
Protein change: p.Ile29914Thr; replaces isoleucine 29914 with threonine.
Molecular consequence: missense variant.
Genome position (GRCh38, 1-based): chr2:178,553,159, A>G on the plus strand (T>C on the coding strand, the complement: TTN is on the minus strand). VCF-style: chr2-178553159-A-G. GRCh37 (hg19) VCF-style: chr2-179417886-A-G.
Other names: c.84818T>C, p.Ile28273Thr (NM_001256850.1); c.62546T>C, p.Ile20849Thr (NM_003319.4); c.82037T>C, p.Ile27346Thr (NM_133378.4); c.62921T>C, p.Ile20974Thr (NM_133432.3); c.63122T>C, p.Ile21041Thr (NM_133437.4); short protein forms I20849T, I20974T, I21041T, I27346T, I28273T, I29914T.
Identifiers: ClinVar variation 3900260 (VCV003900260.1).

ClinVar aggregate classification (germline): Uncertain significance (1 of 4 stars; one submission).

gnomAD v4.1: 5 of 1,613,372 alleles (0.00031%); highest among the groups gnomAD compares: Non-Finnish European, 0.00017%; no homozygotes.

Submission:

GeneDx
Classification: Uncertain significance. Last evaluated: 2024-11-21. Review status: criteria provided, single submitter. Criteria: GeneDx Variant Classification Process June 2021. Collection method: clinical testing. Allele origin: germline. Affected: yes.
Comment: Not observed at significant frequency in large population cohorts (gnomAD); Missense variant in a gene in which most reported pathogenic variants are truncating/loss of function; Has not been previously published as pathogenic or benign to our knowledge